The following is an entry in ClinVar:

ClinVar aggregate classification (germline): Uncertain significance (1 of 4 stars; one submission).

Allele frequency attached by ClinVar (database versions not stated): gnomAD exomes below 0.00001.
gnomAD v4.1: 1 of 1,614,202 alleles (0.000062%); highest among the groups gnomAD compares: Non-Finnish European, 0.000085%; no homozygotes.

Submission:

Labcorp Genetics (formerly Invitae), Labcorp
Classification: Uncertain significance. Last evaluated: 2025-05-29. Review status: criteria provided, single submitter. Criteria: Invitae Variant Classification Sherloc (09022015). Collection method: clinical testing. Allele origin: germline.
Comment: This sequence change replaces isoleucine, which is neutral and non-polar, with threonine, which is neutral and polar, at codon 17 of the MYH9 protein (p.Ile17Thr). This variant is not present in population databases (gnomAD no frequency). This variant has not been reported in the literature in individuals affected with MYH9-related conditions. ClinVar contains an entry for this variant (Variation ID: 1715843). Invitae Evidence Modeling of protein sequence and biophysical properties (such as structural, functional, and spatial information, amino acid conservation, physicochemical variation, residue mobility, and thermodynamic stability) indicates that this missense variant is not expected to disrupt MYH9 protein function with a negative predictive value of 95%. In summary, the available evidence is currently insufficient to determine the role of this variant in disease. Therefore, it has been classified as a Variant of Uncertain Significance.

NM_002473.6(MYH9):c.50T>C (p.Ile17Thr)

Gene: MYH9 (myosin heavy chain 9; minus strand). Cytogenetic location: 22q12.3.
Variant type: single nucleotide variant.
Coding change: c.50T>C on transcript NM_002473.6 (MANE Select); coding-DNA position 50, T replaced by C.
Protein change: p.Ile17Thr; replaces isoleucine 17 with threonine.
Molecular consequence: missense variant.
Genome position (GRCh38, 1-based): chr22:36,349,187, A>G on the plus strand (T>C on the coding strand, the complement: MYH9 is on the minus strand). VCF-style: chr22-36349187-A-G. GRCh37 (hg19) VCF-style: chr22-36745232-A-G.
Other names: short protein forms I17T.
Identifiers: ClinVar variation 1715843 (VCV001715843.5), dbSNP rs2518023053, ClinGen allele CA411549652.
Genomic context (GRCh38, chr22:36,349,187, plus strand): 5'-TCGGAAGGCACCCATACCAGCTTCTTGGCAGCCCAGTCGGCCTGGGCCAGCGGATTGTTG[A>G]TGAAGTTTTTATCCACATAGAGATACTTATCGGCAGCTTGCTGTGCCATGGTGACTTATA-3'
Protein context (NP_002464.1, residues 7-27): DKYLYVDKNF[Ile17Thr]NNPLAQADWA